The following is an entry in ClinVar:

NM_004370.6(COL12A1):c.6845C>T (p.Pro2282Leu)

Gene: COL12A1 (collagen type XII alpha 1 chain; minus strand). Cytogenetic location: 6q13.
Variant type: single nucleotide variant.
Coding change: c.6845C>T on transcript NM_004370.6 (MANE Select); coding-DNA position 6845, C replaced by T.
Protein change: p.Pro2282Leu; replaces proline 2282 with leucine.
Molecular consequence: missense variant.
Genome position (GRCh38, 1-based): chr6:75,123,974, G>A on the plus strand (C>T on the coding strand, the complement: COL12A1 is on the minus strand). VCF-style: chr6-75123974-G-A. GRCh37 (hg19) VCF-style: chr6-75833690-G-A.
Other names: c.6845C>T, p.Pro2282Leu (NM_001424113.1); c.6824C>T, p.Pro2275Leu (NM_001424114.1); c.6572C>T, p.Pro2191Leu (NM_001424115.1); c.3353C>T, p.Pro1118Leu (NM_001424116.1, NM_080645.3); short protein forms P1118L, P2191L, P2275L, P2282L.
Identifiers: ClinVar variation 3770002 (VCV003770002.1).

ClinVar aggregate classification (germline): Uncertain significance (1 of 4 stars; one submission).

gnomAD v4.1: 1 of 1,613,180 alleles (0.000062%); highest among the groups gnomAD compares: Admixed American, 0.0017%; no homozygotes.

Submission:

GeneDx
Classification: Uncertain significance. Last evaluated: 2024-09-12. Review status: criteria provided, single submitter. Criteria: GeneDx Variant Classification Process June 2021. Collection method: clinical testing. Allele origin: germline. Affected: yes.
Comment: Has not been previously published as pathogenic or benign to our knowledge; Not observed at significant frequency in large population cohorts (gnomAD); In silico analysis supports that this missense variant has a deleterious effect on protein structure/function